The following is an entry in ClinVar:

ClinVar aggregate classification (germline): Uncertain significance (1 of 4 stars; one submission).

Allele frequency attached by ClinVar (database versions not stated): ExAC 0.00001; TOPMed 0.00002; 1000 Genomes Project 30x 0.00016; 1000 Genomes Project 0.00020.
gnomAD v4.1: 6 of 1,614,062 alleles (0.00037%); highest among the groups gnomAD compares: Admixed American, 0.01%; no homozygotes.

Submission:

Labcorp Genetics (formerly Invitae), Labcorp
Classification: Uncertain significance. Last evaluated: 2023-03-13. Review status: criteria provided, single submitter. Criteria: Invitae Variant Classification Sherloc (09022015). Collection method: clinical testing. Allele origin: germline.
Comment: This sequence change replaces tryptophan, which is neutral and slightly polar, with arginine, which is basic and polar, at codon 2984 of the DNAH9 protein (p.Trp2984Arg). In summary, the available evidence is currently insufficient to determine the role of this variant in disease. Therefore, it has been classified as a Variant of Uncertain Significance. Advanced modeling of protein sequence and biophysical properties (such as structural, functional, and spatial information, amino acid conservation, physicochemical variation, residue mobility, and thermodynamic stability) performed at Invitae indicates that this missense variant is expected to disrupt DNAH9 protein function. This variant has not been reported in the literature in individuals affected with DNAH9-related conditions. This variant is present in population databases (rs199800683, gnomAD 0.01%).

NM_001372.4(DNAH9):c.8950T>C (p.Trp2984Arg)

Gene: DNAH9 (dynein axonemal heavy chain 9; plus strand). Cytogenetic location: 17p12.
Variant type: single nucleotide variant.
Coding change: c.8950T>C on transcript NM_001372.4 (MANE Select); coding-DNA position 8950, T replaced by C.
Protein change: p.Trp2984Arg; replaces tryptophan 2984 with arginine.
Molecular consequence: missense variant.
Genome position (GRCh38, 1-based): chr17:11,822,537, T>C. VCF-style: chr17-11822537-T-C. GRCh37 (hg19) VCF-style: chr17-11725854-T-C.
Other names: short protein forms W2984R.
Identifiers: ClinVar variation 2719966 (VCV002719966.1), dbSNP rs199800683, ClinGen allele CA8397095.